The following is an entry in ClinVar:

ClinVar aggregate classification (germline): Conflicting classifications of pathogenicity. Review status: criteria provided, conflicting classifications (1 of 4 stars). 2 submissions from 2 submitters: Uncertain significance (1); Likely benign (1). Last evaluated 2024-05-11.

Conditions:
Hereditary cancer-predisposing syndrome. Also called: Tumor predisposition; Hereditary neoplastic syndrome; Neoplastic Syndromes, Hereditary; Hereditary Cancer Syndrome. Identifiers: Orphanet 140162, MedGen C0027672, MeSH D009386, MONDO:0015356.
Oligodontia-cancer predisposition syndrome. Also called: TOOTH AGENESIS-COLORECTAL CANCER SYNDROME. Identifiers: Orphanet 300576, MedGen C1837750, MONDO:0012075, OMIM 608615. Disease mechanism: loss of function.

Allele frequency attached by ClinVar (database versions not stated): gnomAD exomes below 0.00001.

Submissions (2):

Labcorp Genetics (formerly Invitae), Labcorp
Classification: Uncertain significance for Oligodontia-cancer predisposition syndrome. Last evaluated: 2024-05-11. Review status: criteria provided, single submitter. Criteria: Invitae Variant Classification Sherloc (09022015). Collection method: clinical testing. Allele origin: germline.
Comment: This sequence change replaces alanine, which is neutral and non-polar, with threonine, which is neutral and polar, at codon 734 of the AXIN2 protein (p.Ala734Thr). This variant is present in population databases (no rsID available, gnomAD 0.0009%). This variant has not been reported in the literature in individuals affected with AXIN2-related conditions. ClinVar contains an entry for this variant (Variation ID: 857853). Algorithms developed to predict the effect of missense changes on protein structure and function output the following: SIFT: "Not Available"; PolyPhen-2: "Benign"; Align-GVGD: "Not Available". The threonine amino acid residue is found in multiple mammalian species, which suggests that this missense change does not adversely affect protein function. In summary, the available evidence is currently insufficient to determine the role of this variant in disease. Therefore, it has been classified as a Variant of Uncertain Significance.

Ambry Genetics
Classification: Likely benign for Hereditary cancer-predisposing syndrome. Last evaluated: 2023-10-25. Review status: criteria provided, single submitter. Criteria: Ambry Variant Classification Scheme 2023. Collection method: clinical testing. Allele origin: germline.

NM_004655.4(AXIN2):c.2200G>A (p.Ala734Thr)

Gene: AXIN2 (axin 2; minus strand). Cytogenetic location: 17q24.1.
Variant type: single nucleotide variant.
Coding change: c.2200G>A on transcript NM_004655.4 (MANE Select); coding-DNA position 2200, G replaced by A.
Protein change: p.Ala734Thr; replaces alanine 734 with threonine.
Molecular consequence: missense variant.
Genome position (GRCh38, 1-based): chr17:65,535,663, C>T on the plus strand (G>A on the coding strand, the complement: AXIN2 is on the minus strand). VCF-style: chr17-65535663-C-T. GRCh37 (hg19) VCF-style: chr17-63531781-C-T.
Other names: c.2005G>A, p.Ala669Thr (NM_001363813.1); short protein forms A734T, A669T.
Identifiers: ClinVar variation 857853 (VCV000857853.12), dbSNP rs1390389867, ClinGen allele CA400675766.